The following is an entry in ClinVar:

ClinVar aggregate classification (germline): Likely benign (0 of 4 stars; one submission).

Conditions:
PHIP-related disorder. Also called: PHIP-related condition; PHIP-related disorders.

gnomAD v4.1: 2 of 1,012,820 alleles (0.0002%); highest among the groups gnomAD compares: Non-Finnish European, 0.00024%; no homozygotes.

Submission:

PreventionGenetics, part of Exact Sciences
Classification: Likely benign for PHIP-related condition. Last evaluated: 2024-04-04. Review status: no assertion criteria provided. Collection method: clinical testing. Allele origin: germline.
Comment: This variant is classified as likely benign based on ACMG/AMP sequence variant interpretation guidelines (Richards et al. 2015 PMID: 25741868, with internal and published modifications).

NM_017934.7(PHIP):c.111C>T (p.Arg37=)

Gene: PHIP (PHIP subunit of CUL4-Ring ligase complex; minus strand). Cytogenetic location: 6q14.1.
Variant type: single nucleotide variant.
Coding change: c.111C>T on transcript NM_017934.7 (MANE Select); coding-DNA position 111, C replaced by T.
Protein change: p.Arg37=; no amino-acid change (arginine 37 retained).
Molecular consequence: synonymous variant.
Genome position (GRCh38, 1-based): chr6:79,077,718, G>A on the plus strand (C>T on the coding strand, the complement: PHIP is on the minus strand). VCF-style: chr6-79077718-G-A. GRCh37 (hg19) VCF-style: chr6-79787435-G-A.
Identifiers: ClinVar variation 3356829 (VCV003356829.1).
Genomic context (GRCh38, chr6:79,077,718, plus strand): 5'-GCCGCGCGGCGGCGGGACGCGCCGGGCCGCCGCCGCCCTTACCTCCTTCTCGGCCACCTC[G>A]CGGATCAGCACCTGCAACAACAAAGCGGGGAGAGCTGAGCCCCGCGCCCCGGGCCGCGGC-3'
Protein context (NP_060404.4, residues 27-47): PCQQAAQVLI[Arg37=]EVAEKELLPR